The following is an entry in ClinVar:

NM_006660.5(CLPX):c.504C>T (p.Pro168=)

Gene: CLPX (caseinolytic mitochondrial matrix peptidase chaperone subunit X; minus strand). Cytogenetic location: 15q22.31.
Variant type: single nucleotide variant.
Coding change: c.504C>T on transcript NM_006660.5 (MANE Select); coding-DNA position 504, C replaced by T.
Protein change: p.Pro168=; no amino-acid change (proline 168 retained).
Molecular consequence: synonymous variant. On other transcripts: non-coding transcript variant (1).
Genome position (GRCh38, 1-based): chr15:65,166,640, G>A on the plus strand (C>T on the coding strand, the complement: CLPX is on the minus strand). VCF-style: chr15-65166640-G-A. GRCh37 (hg19) VCF-style: chr15-65458978-G-A.
Other names: p.Pro168=.
Identifiers: ClinVar variation 4684005 (VCV004684005.1).

ClinVar aggregate classification (germline): Likely benign (1 of 4 stars; one submission).

gnomAD v4.1: 3 of 1,613,872 alleles (0.00019%); highest among the groups gnomAD compares: Admixed American, 0.005%; no homozygotes.

Submission:

Mayo Clinic Laboratories, Mayo Clinic
Classification: Likely benign. Last evaluated: 2025-06-09. Review status: criteria provided, single submitter. Criteria: ACMG Guidelines, 2015. Collection method: clinical testing. Allele origin: germline. Observed: 1 variant allele.
Comment: BP4, PM2_supporting